The following is an entry in ClinVar:

NM_001128148.3(TFRC):c.1666T>C (p.Cys556Arg)

Gene: TFRC (transferrin receptor; minus strand). Cytogenetic location: 3q29.
Variant type: single nucleotide variant.
Coding change: c.1666T>C on transcript NM_001128148.3 (MANE Select); coding-DNA position 1666, T replaced by C.
Protein change: p.Cys556Arg; replaces cysteine 556 with arginine.
Molecular consequence: missense variant.
Genome position (GRCh38, 1-based): chr3:196,058,295, A>G on the plus strand (T>C on the coding strand, the complement: TFRC is on the minus strand). VCF-style: chr3-196058295-A-G. GRCh37 (hg19) VCF-style: chr3-195785166-A-G.
Other names: c.1423T>C, p.Cys475Arg (NM_001313965.2); c.820T>C, p.Cys274Arg (NM_001313966.2); c.1666T>C, p.Cys556Arg (NM_003234.4); short protein forms C475R, C556R, C274R.
Identifiers: ClinVar variation 1465574 (VCV001465574.8), dbSNP rs765563306, ClinGen allele CA2777829.

ClinVar aggregate classification (germline): Uncertain significance (1 of 4 stars; one submission).

Allele frequency attached by ClinVar (database versions not stated): gnomAD exomes below 0.00001; ExAC 0.00001.
gnomAD v4.1: 1 of 1,613,978 alleles (0.000062%); highest among the groups gnomAD compares: Admixed American, 0.0017%; no homozygotes.

Submission:

Labcorp Genetics (formerly Invitae), Labcorp
Classification: Uncertain significance. Last evaluated: 2020-12-20. Review status: criteria provided, single submitter. Criteria: Invitae Variant Classification Sherloc (09022015). Collection method: clinical testing. Allele origin: germline.
Comment: This variant has not been reported in the literature in individuals with TFRC-related conditions. In summary, the available evidence is currently insufficient to determine the role of this variant in disease. Therefore, it has been classified as a Variant of Uncertain Significance. Algorithms developed to predict the effect of missense changes on protein structure and function output the following: SIFT: "Tolerated"; PolyPhen-2: "Benign"; Align-GVGD: "Class C0". The arginine amino acid residue is found in multiple mammalian species, suggesting that this missense change does not adversely affect protein function. These predictions have not been confirmed by published functional studies and their clinical significance is uncertain. This variant is present in population databases (rs765563306, ExAC 0.009%). This sequence change replaces cysteine with arginine at codon 556 of the TFRC protein (p.Cys556Arg). The cysteine residue is weakly conserved and there is a large physicochemical difference between cysteine and arginine.